The following is an entry in ClinVar:

NM_001082538.3(TCTN1):c.1361T>C (p.Val454Ala)

Gene: TCTN1 (tectonic family member 1; plus strand). Cytogenetic location: 12q24.11.
Variant type: single nucleotide variant.
Coding change: c.1361T>C on transcript NM_001082538.3 (MANE Select); coding-DNA position 1361, T replaced by C.
Protein change: p.Val454Ala; replaces valine 454 with alanine.
Molecular consequence: missense variant. On other transcripts: non-coding transcript variant (1).
Genome position (GRCh38, 1-based): chr12:110,644,996, T>C. VCF-style: chr12-110644996-T-C. GRCh37 (hg19) VCF-style: chr12-111082801-T-C.
Other names: c.1361T>C, p.Val454Ala (NM_001082537.3); c.1193T>C, p.Val398Ala (NM_001173975.3); c.1034T>C, p.Val345Ala (NM_001173976.2); c.1214T>C, p.Val405Ala (NM_001319680.2); c.827T>C, p.Val276Ala (NM_001319681.2); c.1319T>C, p.Val440Ala (NM_024549.6); c.1361T>C (NM_001082538.2); short protein forms V398A, V405A, V440A, V276A, V345A, V454A.
Identifiers: ClinVar variation 2011078 (VCV002011078.2), dbSNP rs1034434399, ClinGen allele CA243568152.

ClinVar aggregate classification (germline): Uncertain significance. Review status: criteria provided, multiple submitters, no conflicts (2 of 4 stars). 2 submissions from 2 submitters: Uncertain significance (2). Last evaluated 2024-12-06.

Conditions:
Inborn genetic diseases. Identifiers: MedGen C0950123, MeSH D030342.
Joubert syndrome. Also called: CEREBELLOPARENCHYMAL DISORDER IV; JOUBERT-BOLTSHAUSER SYNDROME; Familial aplasia of the vermis. Identifiers: Orphanet 475, MedGen C5979921, MONDO:0018772.
Meckel-Gruber syndrome. Also called: DYSENCEPHALIA SPLANCHNOCYSTICA; GRUBER SYNDROME; Dysencephalia splachnocystica. Identifiers: Orphanet 564, MedGen C0265215, MONDO:0018921.

Allele frequency attached by ClinVar (database versions not stated): gnomAD 0.00001; TOPMed 0.00002; gnomAD exomes below 0.00001.
gnomAD v4.1: 8 of 1,614,126 alleles (0.0005%); highest among the groups gnomAD compares: African/African-American, 0.0027%; no homozygotes.

Submissions (2):

Ambry Genetics
Classification: Uncertain significance for Inborn genetic diseases. Last evaluated: 2024-12-06. Review status: criteria provided, single submitter. Criteria: Ambry Variant Classification Scheme 2023. Collection method: clinical testing. Allele origin: germline.

Labcorp Genetics (formerly Invitae), Labcorp
Classification: Uncertain significance for Joubert syndrome; Meckel-Gruber syndrome. Last evaluated: 2022-08-16. Review status: criteria provided, single submitter. Criteria: Invitae Variant Classification Sherloc (09022015). Collection method: clinical testing. Allele origin: germline.
Comment: This sequence change replaces valine, which is neutral and non-polar, with alanine, which is neutral and non-polar, at codon 454 of the TCTN1 protein (p.Val454Ala). This variant is present in population databases (no rsID available, gnomAD 0.007%). This variant has not been reported in the literature in individuals affected with TCTN1-related conditions. Algorithms developed to predict the effect of missense changes on protein structure and function output the following: SIFT: "Tolerated"; PolyPhen-2: "Benign"; Align-GVGD: "Class C0". The alanine amino acid residue is found in multiple mammalian species, which suggests that this missense change does not adversely affect protein function. Algorithms developed to predict the effect of sequence changes on RNA splicing suggest that this variant may create or strengthen a splice site. In summary, the available evidence is currently insufficient to determine the role of this variant in disease. Therefore, it has been classified as a Variant of Uncertain Significance.